The following is an entry in ClinVar:

ClinVar aggregate classification (germline): Uncertain significance. Review status: criteria provided, multiple submitters, no conflicts (2 of 4 stars). 15 submissions from 15 submitters: Uncertain significance (12). 3 of the submissions do not count toward it. Last evaluated 2026-05-18.

Conditions:
Familial colorectal cancer type X. Identifiers: Orphanet 440437, MedGen C3896578, MONDO:0018604.
ATM-related disorder. Also called: ATM-related disorders; ATM-related condition.
Hereditary cancer-predisposing syndrome. Also called: Neoplastic Syndromes, Hereditary; Hereditary Cancer Syndrome; Tumor predisposition; Hereditary neoplastic syndrome. Identifiers: Orphanet 140162, MedGen C0027672, MeSH D009386, MONDO:0015356.
Ataxia-telangiectasia syndrome (AT). Also called: Cerebello-oculocutaneous telangiectasia; Immunodeficiency with ataxia telangiectasia; LOUIS-BAR SYNDROME; Ataxia-telangiectasia, complementation group D; AT, COMPLEMENTATION GROUP C; ATAXIA-TELANGIECTASIA, COMPLEMENTATION GROUP A. Identifiers: Orphanet 100, MedGen C0004135, MONDO:0008840, OMIM 208900.
Familial cancer of breast. Also called: Hereditary breast cancer; hereditary breast carcinoma; BREAST CANCER, FAMILIAL. Identifiers: Orphanet 227535, MedGen C0346153, MONDO:0016419, OMIM 114480. Disease mechanism: loss of function.
Hereditary breast ovarian cancer syndrome. Also called: Hereditary breast and/or ovarian cancer syndrome; Hereditary breast and ovarian cancer syndrome (HBOC); Hereditary breast and ovarian cancer syndrome; Hereditary breast and ovarian cancer; Breast and ovarian cancer; BRCA1- and BRCA2-Associated Hereditary Breast and Ovarian Cancer. Identifiers: Orphanet 145, MedGen C0677776, MeSH D061325, MONDO:0003582. Disease mechanism: loss of function.
Microcephaly. Also called: Microcephaly (disease). Identifiers: MedGen C4551563, MONDO:0001149, HP:0000252.

Allele frequency attached by ClinVar (database versions not stated): TOPMed 0.00001; gnomAD exomes 0.00008; ExAC 0.00010.
gnomAD v4.1: 61 of 1,613,960 alleles (0.0038%); highest among the groups gnomAD compares: East Asian, 0.04%; no homozygotes.

Submissions 1 to 10 of 15:

Women's Health and Genetics/Laboratory Corporation of America, LabCorp
Classification: Uncertain significance. Last evaluated: 2026-05-18. Review status: criteria provided, single submitter. Criteria: LabCorp Variant Classification Summary - May 2015. Collection method: clinical testing. Allele origin: germline.
Comment: Variant summary: ATM c.2771G>A (p.Arg924Gln) results in a conservative amino acid change in the encoded protein sequence. Algorithms developed to predict the effect of missense changes on protein structure and function are either unavailable or do not agree on the potential impact of this missense change. The variant allele was found at a frequency of 7.6e-05 in 251440 control chromosomes (gnomAD). This frequency is not significantly higher than estimated for disease-causing variants in ATM, allowing no conclusion about variant significance. c.2771G>A has been observed in individuals affected with Breast Cancer (e.g., Tavtigian_2009, Momozawa_2018, Adedokun_2020, Kwong_2020). These reports do not provide unequivocal conclusions about association of the variant with disease. To our knowledge, no experimental evidence demonstrating an impact on protein function has been reported. The following publications have been ascertained in the context of this evaluation (PMID: 31871109, 32068069, 30287823, 36243179, 19781682). ClinVar contains an entry for this variant (Variation ID: 142194). Based on the evidence outlined above, the variant was classified as uncertain significance.

Quest Diagnostics Nichols Institute San Juan Capistrano
Classification: Uncertain significance. Last evaluated: 2025-06-20. Review status: criteria provided, single submitter. Criteria: Quest Diagnostics criteria. Collection method: clinical testing. Allele origin: unknown.

3billion
Classification: Uncertain significance for Familial cancer of breast. Last evaluated: 2025-02-19. Review status: criteria provided, single submitter. Criteria: ACMG Guidelines, 2015. Collection method: clinical testing. Allele origin: germline. Affected: yes.
Comment: The variant is observed at an extremely low frequency in the gnomAD v4.1.0 dataset (total allele frequency: 0.004%). Predicted Consequence/Location: Missense variant The variant has been reported as of uncertain significance (ClinVar ID: VCV000142194; PMID: 19781682). Therefore, this variant is classified as VUS according to the recommendation of ACMG/AMP guideline.

Labcorp Genetics (formerly Invitae), Labcorp
Classification: Uncertain significance for Ataxia-telangiectasia syndrome. Last evaluated: 2025-01-29. Review status: criteria provided, single submitter. Criteria: Invitae Variant Classification Sherloc (09022015). Collection method: clinical testing. Allele origin: germline.
Comment: This sequence change replaces arginine, which is basic and polar, with glutamine, which is neutral and polar, at codon 924 of the ATM protein (p.Arg924Gln). This variant is present in population databases (rs587782298, gnomAD 0.04%). This missense change has been observed in individual(s) with breast and/or ovarian cancer (PMID: 19781682, 30287823, 31871109, 32068069). ClinVar contains an entry for this variant (Variation ID: 142194). Invitae Evidence Modeling of protein sequence and biophysical properties (such as structural, functional, and spatial information, amino acid conservation, physicochemical variation, residue mobility, and thermodynamic stability) indicates that this missense variant is not expected to disrupt ATM protein function with a negative predictive value of 95%. In summary, the available evidence is currently insufficient to determine the role of this variant in disease. Therefore, it has been classified as a Variant of Uncertain Significance.

Color Diagnostics, LLC DBA Color Health
Classification: Uncertain significance for Hereditary cancer-predisposing syndrome. Last evaluated: 2025-01-07. Review status: criteria provided, single submitter. Criteria: ACMG Guidelines, 2015. Collection method: clinical testing. Allele origin: germline.
Comment: This missense variant replaces arginine with glutamine at codon 924 of the ATM protein. Computational prediction suggests that this variant may not impact protein structure and function. To our knowledge, functional studies have not been reported for this variant. This variant has been reported in individuals affected with breast and/or ovarian cancer (PMID: 19781682, 30287823, 31871109, 32068069, 33471991) and in unaffected individuals (PMID: 30287823, 33471991). This variant has been identified in 19/251440 chromosomes in the general population by the Genome Aggregation Database (gnomAD). The available evidence is insufficient to determine the role of this variant in disease conclusively. Therefore, this variant is classified as a Variant of Uncertain Significance.

Ambry Genetics
Classification: Uncertain significance for Hereditary cancer-predisposing syndrome. Last evaluated: 2024-10-28. Review status: criteria provided, single submitter. Criteria: Ambry Variant Classification Scheme 2023. Collection method: clinical testing. Allele origin: germline.
Comment: The p.R924Q variant (also known as c.2771G>A), located in coding exon 17 of the ATM gene, results from a G to A substitution at nucleotide position 2771. The arginine at codon 924 is replaced by glutamine, an amino acid with highly similar properties. This alteration was observed with an allele frequency of 0.00113 in 7,051 unselected female breast cancer patients and was observed with an allele frequency of 0.00089 in 11,241 female controls of Japanese ancestry. In addition, it was not observed in unselected male breast cancer patients and was observed with an allele frequency of 0.0011 in 12490 male controls of Japanese ancestry (Momozawa Y et al. Nat Commun. 2018 10;9:4083). This alteration has also been detected in 1/4112 breast cancer patients and 0/2399 healthy control individuals across numerous studies (Tavtigian S et al. Am. J. Hum. Genet. 2009 Oct;85(4):427-46) and in 1/29 ovarian cancer patients in a Japanese cohort (Tomioka K el al. Sci Rep 2021 10;11(1):19661). This amino acid position is highly conserved in available vertebrate species. In addition, the in silico prediction for this alteration is inconclusive. Since supporting evidence is limited at this time, the clinical significance of this alteration remains unclear.

Molecular Diagnostics Laboratory, Catalan Institute of Oncology
Classification: Uncertain significance for Hereditary cancer-predisposing syndrome. Last evaluated: 2024-10-06. Review status: criteria provided, single submitter. Criteria: ClinGen ACMG Specifications ATM V1.1.0. Collection method: clinical testing. Allele origin: germline.
Comment: c.2771G>A, located in exon 18 of the ATM gene, is predicted to result in the substitution of threonine by alanine at codon 924, p.(Arg924Gln). This variant is found in 12/30526 at a filter allele frequency of 0.023% in the gnomAD v2.1.1 database (South Asian non-cancer data set). The SpliceAI algorithm predicts no significant impact on splicing and the REVEL meta-predictor score for this variant (0.308) is indeterminate regarding the effect on protein function. To our knowledge, functional studies have not been reported for this variant. In addition, it has been reported in ClinVar (10x uncertain significance) and LOVD (3x VUS, 2x not provided, 1x likely benign) databases. Based on currently available information, the variant c.2771G>A is classified as an uncertain significance variant according to ClinGen-ATM Guidelines version 1.1.

Fulgent Genetics
Classification: Uncertain significance for Familial cancer of breast; Ataxia-telangiectasia syndrome. Last evaluated: 2024-02-08. Review status: criteria provided, single submitter. Criteria: ACMG Guidelines, 2015. Collection method: clinical testing. Allele origin: germline.

Baylor Genetics
Classification: Uncertain significance for Familial cancer of breast. Last evaluated: 2023-08-24. Review status: criteria provided, single submitter. Criteria: ACMG Guidelines, 2015. Collection method: clinical testing. Allele origin: unknown.

GeneDx
Classification: Uncertain significance. Last evaluated: 2022-06-20. Review status: criteria provided, single submitter. Criteria: GeneDx Variant Classification Process June 2021. Collection method: clinical testing. Allele origin: germline. Affected: yes.
Comment: In silico analysis supports that this missense variant does not alter protein structure/function; This variant is associated with the following publications: (PMID: 19781682, 26314984, 27105424, 30287823, 31871109)

NM_000051.4(ATM):c.2771G>A (p.Arg924Gln)

Gene: ATM (ATM serine/threonine kinase; plus strand). Cytogenetic location: 11q22.3.
Variant type: single nucleotide variant.
Coding change: c.2771G>A on transcript NM_000051.4 (MANE Select); coding-DNA position 2771, G replaced by A.
Protein change: p.Arg924Gln; replaces arginine 924 with glutamine.
Molecular consequence: missense variant.
Genome position (GRCh38, 1-based): chr11:108,268,542, G>A. VCF-style: chr11-108268542-G-A. GRCh37 (hg19) VCF-style: chr11-108139269-G-A.
Other names: c.2771G>A, p.Arg924Gln (NM_001351834.2); short protein forms R924Q.
Identifiers: ClinVar variation 142194 (VCV000142194.46), dbSNP rs587782298, ClinGen allele CA167726.